The following is an entry in ClinVar:

ClinVar aggregate classification (germline): Pathogenic. Review status: criteria provided, multiple submitters, no conflicts (2 of 4 stars). 19 submissions from 19 submitters: Pathogenic (17). 2 of the submissions do not count toward it. Last evaluated 2026-04-07.

Conditions:
PMS2-related disorder. Also called: PMS2-related condition.
Hereditary nonpolyposis colon cancer (HNPCC). Also called: Hereditary Nonpolyposis Colorectal Cancer Syndrome; Hereditary nonpolyposis colorectal cancer; Familial nonpolyposis colon cancer. Identifiers: Orphanet 443909, MedGen C1333990, MONDO:0018630. Disease mechanism: loss of function.
Hereditary nonpolyposis colorectal neoplasms. Identifiers: MedGen C0009405, MeSH D003123.
Hereditary cancer-predisposing syndrome. Also called: Tumor predisposition; Neoplastic Syndromes, Hereditary; Hereditary Cancer Syndrome; Hereditary neoplastic syndrome. Identifiers: Orphanet 140162, MedGen C0027672, MeSH D009386, MONDO:0015356.
Mismatch repair cancer syndrome 4. Identifiers: MedGen C5436817, MONDO:0030843, OMIM 619101.
Lynch syndrome. Identifiers: Orphanet 144, MedGen C4552100, MONDO:0005835. Disease mechanism: loss of function.
Lynch syndrome 4 (LYNCH4). Also called: Colorectal cancer, hereditary nonpolyposis, type 4; Hereditary non-polyposis colorectal cancer, type 4. Identifiers: Orphanet 144, MedGen C1838333, MONDO:0013699, OMIM 614337. Disease mechanism: loss of function.

Submissions 1 to 9 of 19:

Dasa
Classification: Pathogenic. Last evaluated: 2026-04-07. Review status: criteria provided, single submitter. Criteria: DASA Assertion Criteria. Collection method: clinical testing. Allele origin: germline.
Comment: NM_000535.7(PMS2):c.1239dup (p.Asp414ArgfsTer44) introduces a premature termination codon predicted to result in loss of normal protein function. Loss-of-function is an established mechanism of disease for this gene. This variant has been reported in individuals with related phenotype (PMID: 20205264). The variant is present at low frequency in population datasets. Based on the available data, this variant is classified as pathogenic.

Labcorp Genetics (formerly Invitae), Labcorp
Classification: Pathogenic for Hereditary nonpolyposis colorectal neoplasms. Last evaluated: 2025-08-11. Review status: criteria provided, single submitter. Criteria: Invitae Variant Classification Sherloc (09022015). Collection method: clinical testing. Allele origin: germline.
Comment: This sequence change creates a premature translational stop signal (p.Asp414Argfs*44) in the PMS2 gene. It is expected to result in an absent or disrupted protein product. Loss-of-function variants in PMS2 are known to be pathogenic (PMID: 21376568, 24362816). This variant is present in population databases (no rsID available, gnomAD 0.01%). This premature translational stop signal has been observed in individual(s) with constitutional mismatch repair deficiency-associated tumors (PMID: 20205264, 25691505, 26437257). Invitae Evidence Modeling of clinical and family history, age, sex, and reported ancestry of multiple individuals with this PMS2 variant has been performed. This variant is expected to be pathogenic with a positive predictive value of at least 99%. This is a validated machine learning model that incorporates the clinical features of 1,627,235 individuals referred to our laboratory for PMS2 testing. ClinVar contains an entry for this variant (Variation ID: 216072). For these reasons, this variant has been classified as Pathogenic.

Color Diagnostics, LLC DBA Color Health
Classification: Pathogenic for Hereditary cancer-predisposing syndrome. Last evaluated: 2025-06-23. Review status: criteria provided, single submitter. Criteria: ACMG Guidelines, 2015. Collection method: clinical testing. Allele origin: germline.
Comment: This variant inserts 1 nucleotide in exon 11 of the PMS2 gene, creating a frameshift and premature translation stop signal. This variant is expected to result in an absent or non-functional protein product. To our knowledge, functional studies have not been reported for this variant. This variant has been reported in an individual suspected of Lynch syndrome (PMID: 26437257). This variant has also been reported in individuals affected with or suspected of constitutional mismatch repair syndrome (PMID: 20205264, 21261604, 25691505). This variant has been identified in 1/31348 chromosomes in the general population by the Genome Aggregation Database (gnomAD). Loss of PMS2 function is a known mechanism of disease. Based on the available evidence, this variant is classified as Pathogenic.

PreventionGenetics, part of Exact Sciences
Classification: Pathogenic for PMS2-related condition. Last evaluated: 2025-04-18. Review status: criteria provided, single submitter. Criteria: ACMG Guidelines, 2015. Collection method: clinical testing. Allele origin: germline.
Comment: The PMS2 c.1239dupA variant is predicted to result in a frameshift and premature protein termination (p.Asp414Argfs*44). This variant has been reported in individuals with non-polyposis colorectal cancer/Lynch syndrome (Carneiro da Silva et al. 2015. PubMed ID: 26437257; Rossi et al. 2017. PubMed ID: 28874130; Table S2-Tsaousis et al. 2019. PubMed ID: 31159747; Vaughn et al. 2010. PubMed ID: 20205264). This variant is reported in 0.011% of alleles in individuals of African descent in gnomAD. Frameshift variants in PMS2 are expected to be pathogenic. This variant is interpreted as pathogenic.

Ambry Genetics
Classification: Pathogenic for Hereditary cancer-predisposing syndrome. Last evaluated: 2024-09-13. Review status: criteria provided, single submitter. Criteria: Ambry Variant Classification Scheme 2023. Collection method: clinical testing. Allele origin: germline.
Comment: The c.1239dupA pathogenic mutation, located in coding exon 11 of the PMS2 gene, results from a duplication of A at nucleotide position 1239, causing a translational frameshift with a predicted alternate stop codon (p.D414Rfs*44). In addition to the clinical data presented in the literature, this alteration is expected to result in loss of function by premature protein truncation or nonsense-mediated mRNA decay. As such, this alteration is interpreted as a disease-causing mutation.

Blueprint Genetics
Classification: Pathogenic for PMS2-related disorders. Last evaluated: 2024-08-27. Review status: criteria provided, single submitter. Criteria: ACMG Guidelines, 2015. Collection method: clinical testing. Allele origin: germline. Affected: yes. Observed: 5 variant alleles.

CeGaT Center for Human Genetics Tuebingen
Classification: Pathogenic. Last evaluated: 2024-04-01. Review status: criteria provided, single submitter. Criteria: CeGaT Center For Human Genetics Tuebingen Variant Classification Criteria Version 2. Collection method: clinical testing. Allele origin: germline. Affected: yes. Observed: 1 variant allele.
Comment: PMS2: PVS1, PM2, PS4:Moderate

All of Us Research Program, National Institutes of Health
Classification: Pathogenic for Lynch syndrome. Last evaluated: 2024-03-25. Review status: criteria provided, single submitter. Criteria: ACMG Guidelines, 2015. Collection method: clinical testing. Allele origin: germline. Inheritance: Autosomal dominant inheritance. Observed: 3 variant alleles, 3 heterozygotes.
Comment: This variant inserts 1 nucleotide in exon 11 of the PMS2 gene, creating a frameshift and premature translation stop signal. This variant is expected to result in an absent or non-functional protein product. To our knowledge, functional studies have not been reported for this variant. This variant has been reported in an individual suspected of having Lynch syndrome (PMID: 26437257). This variant has been reported in individuals affected or suspected of having constitutional mismatch repair syndrome (PMID: 20205264, 21261604, 25691505)This variant has been identified in 1/31348 chromosomes in the general population by the Genome Aggregation Database (gnomAD). Loss of PMS2 function is a known mechanism of disease. Based on the available evidence, this variant is classified as Pathogenic.

This study involves interpretation of variants in research participants for the purpose of population health screening. Participant phenotype was not available at the time of variant classification. Additional details can be found in publication PMID: 35346344, PMCID: PMC8962531

Women's Health and Genetics/Laboratory Corporation of America, LabCorp
Classification: Pathogenic for Hereditary nonpolyposis colon cancer. Last evaluated: 2024-01-05. Review status: criteria provided, single submitter. Criteria: LabCorp Variant Classification Summary - May 2015. Collection method: clinical testing. Allele origin: germline.
Comment: Variant summary: PMS2 c.1239dupA (p.Asp414ArgfsX44) results in a premature termination codon, predicted to cause a truncation of the encoded protein or absence of the protein due to nonsense mediated decay, which are commonly known mechanisms for disease. The frequency data for this variant in gnomAD is considered unreliable, as metrics indicate poor data quality at this position. c.1239dupA has been reported in the literature in individuals affected with suspected Lynch Syndrome (e.g., Carneiro da Silva_2015). The following publication was ascertained in the context of this evaluation (PMID: 26437257). ClinVar contains an entry for this variant (Variation ID: 216072). Based on the evidence outlined above, the variant was classified as pathogenic.

NM_000535.7(PMS2):c.1239dup (p.Asp414fs)

Gene: PMS2 (PMS1 homolog 2, mismatch repair system component; minus strand). Cytogenetic location: 7p22.1.
Variant type: Duplication.
Coding change: c.1239dup on transcript NM_000535.7 (MANE Select); coding-DNA position 1239, one base duplicated (A; older notation c.1239dupA).
Protein change: p.Asp414fs; shifts the reading frame from aspartic acid 414.
Molecular consequence: frameshift variant. On other transcripts: non-coding transcript variant (1).
Genome position (GRCh38, 1-based): chr7:5,987,526, T duplicated on the plus strand (A on the coding strand, the reverse complement: PMS2 is on the minus strand); the first of 8 consecutive T bases (chr7:5,987,526-5,987,533); duplicating any one gives the same sequence. VCF-style (leftmost placement, unchanged base first): chr7-5987525-C-CT. GRCh37 (hg19) VCF-style: chr7-6027156-C-CT.
Other names: c.1239dup (NM_000535.5); c.1239dupA (NM_000535.7); c.834dup, p.Asp279fs (NM_001322003.2, NM_001322004.2, NM_001322005.2 and 1 more transcripts); c.1083dup, p.Asp362fs (NM_001322006.2); c.921dup, p.Asp308fs (NM_001322007.2, NM_001322008.2); c.678dup, p.Asp227fs (NM_001322010.2); c.306dup, p.Asp103fs (NM_001322011.2, NM_001322012.2); c.666dup, p.Asp223fs (NM_001322013.2); and 2 more; short protein forms D103fs, D223fs, D308fs, D311fs, D414fs, D279fs, D362fs, D227fs.
Identifiers: ClinVar variation 216072 (VCV000216072.63), dbSNP rs267608159, ClinGen allele CA339080.
Genomic context (GRCh38, chr7:5,987,525, plus strand): 5'-GCTTGTTCTCTGTTGTGTGACGAAGAGAAAAGGCCTCTCGCAGTCTGGAAATGGACACGT[C>CT]TTTTTTTTCTTCTCCAGTCCTTAATGAAGGGGATTGATCCTGCTTTTCTACCATGGGCTT-3'